The following is an entry in ClinVar:

NM_004423.4(DVL3):c.1531G>A (p.Gly511Ser)

Gene: DVL3 (dishevelled segment polarity protein 3; plus strand). Cytogenetic location: 3q27.1.
Variant type: single nucleotide variant.
Coding change: c.1531G>A on transcript NM_004423.4 (MANE Select); coding-DNA position 1531, G replaced by A.
Protein change: p.Gly511Ser; replaces glycine 511 with serine.
Molecular consequence: missense variant.
Genome position (GRCh38, 1-based): chr3:184,170,038, G>A. VCF-style: chr3-184170038-G-A. GRCh37 (hg19) VCF-style: chr3-183887826-G-A.
Other names: short protein forms G511S.
Identifiers: ClinVar variation 3623011 (VCV003623011.2).
Genomic context (GRCh38, chr3:184,170,038, plus strand): 5'-TAGCTCCATCCGGCCCTCCCCTTCACAGACATGGCCAACCTGTCTCTCCACGATCACGAT[G>A]GCTCCAGTGGCGCCTCTGACCAGGACACACTGGCCCCTTTGCCGCACCCGGGGGCCGCCC-3'
Protein context (NP_004414.3, residues 501-521): MANLSLHDHD[Gly511Ser]SSGASDQDTL

ClinVar aggregate classification (germline): Uncertain significance (1 of 4 stars; one submission).

gnomAD v4.1: 3 of 1,611,720 alleles (0.00019%); highest among the groups gnomAD compares: Non-Finnish European, 0.00025%; no homozygotes.

Submission:

Labcorp Genetics (formerly Invitae), Labcorp
Classification: Uncertain significance. Last evaluated: 2024-02-06. Review status: criteria provided, single submitter. Criteria: Invitae Variant Classification Sherloc (09022015). Collection method: clinical testing. Allele origin: germline.
Comment: This sequence change replaces glycine, which is neutral and non-polar, with serine, which is neutral and polar, at codon 511 of the DVL3 protein (p.Gly511Ser). This variant is not present in population databases (gnomAD no frequency). This variant has not been reported in the literature in individuals affected with DVL3-related conditions. Advanced modeling of protein sequence and biophysical properties (such as structural, functional, and spatial information, amino acid conservation, physicochemical variation, residue mobility, and thermodynamic stability) performed at Invitae indicates that this missense variant is not expected to disrupt DVL3 protein function with a negative predictive value of 80%. In summary, the available evidence is currently insufficient to determine the role of this variant in disease. Therefore, it has been classified as a Variant of Uncertain Significance.